The following is an entry in ClinVar:

ClinVar aggregate classification (germline): Uncertain significance (1 of 4 stars; one submission).

Submission:

Labcorp Genetics (formerly Invitae), Labcorp
Classification: Uncertain significance. Last evaluated: 2025-10-17. Review status: criteria provided, single submitter. Criteria: Invitae Variant Classification Sherloc (09022015). Collection method: clinical testing. Allele origin: germline.
Comment: This sequence change replaces serine, which is neutral and polar, with proline, which is neutral and non-polar, at codon 108 of the AFG3L2 protein (p.Ser108Pro). This variant is not present in population databases (gnomAD no frequency). This variant has not been reported in the literature in individuals affected with AFG3L2-related conditions. Invitae Evidence Modeling of protein sequence and biophysical properties (such as structural, functional, and spatial information, amino acid conservation, physicochemical variation, residue mobility, and thermodynamic stability) indicates that this missense variant is not expected to disrupt AFG3L2 protein function with a negative predictive value of 95%. In summary, the available evidence is currently insufficient to determine the role of this variant in disease. Therefore, it has been classified as a Variant of Uncertain Significance.

NM_006796.3(AFG3L2):c.322T>C (p.Ser108Pro)

Gene: AFG3L2 (AFG3 like matrix AAA peptidase subunit 2; minus strand). Cytogenetic location: 18p11.21.
Variant type: single nucleotide variant.
Coding change: c.322T>C on transcript NM_006796.3 (MANE Select); coding-DNA position 322, T replaced by C.
Protein change: p.Ser108Pro; replaces serine 108 with proline.
Molecular consequence: missense variant.
Genome position (GRCh38, 1-based): chr18:12,367,353, A>G on the plus strand (T>C on the coding strand, the complement: AFG3L2 is on the minus strand). VCF-style: chr18-12367353-A-G. GRCh37 (hg19) VCF-style: chr18-12367352-A-G.
Other names: short protein forms S108P.
Identifiers: ClinVar variation 4771072 (VCV004771072.1).
Genomic context (GRCh38, chr18:12,367,353, plus strand): 5'-ACCAGTGAGAATCATCTTTCTTGCCACCTCGTTTTCCACCGCCACCACCTCCTCCTCCAG[A>G]AGAGCGTGTGGTAGCAGCTGGCTTTGATTCTGTTCATAAACAAAGAGCACACACAGAAGC-3'
Protein context (NP_006787.2, residues 98-118): ESKPAATTRS[Ser108Pro]GGGGGGGGKR